The following is an entry in ClinVar:

NM_003000.3(SDHB):c.584G>C (p.Ser195Thr)

Gene: SDHB (succinate dehydrogenase complex iron sulfur subunit B; minus strand). Cytogenetic location: 1p36.13.
Variant type: single nucleotide variant.
Coding change: c.584G>C on transcript NM_003000.3 (MANE Select); coding-DNA position 584, G replaced by C.
Protein change: p.Ser195Thr; replaces serine 195 with threonine.
Molecular consequence: missense variant.
Genome position (GRCh38, 1-based): chr1:17,024,031, C>G on the plus strand (G>C on the coding strand, the complement: SDHB is on the minus strand). VCF-style: chr1-17024031-C-G. GRCh37 (hg19) VCF-style: chr1-17350526-C-G.
Other names: short protein forms S195T.
Identifiers: ClinVar variation 655187 (VCV000655187.10), dbSNP rs1570945866, ClinGen allele CA338271168.

ClinVar aggregate classification (germline): Uncertain significance. Review status: criteria provided, multiple submitters, no conflicts (2 of 4 stars). 2 submissions from 2 submitters: Uncertain significance (2). Last evaluated 2025-11-08.

Conditions:
Pheochromocytoma/paraganglioma syndrome 4. Also called: SDHB-Related Hereditary Paraganglioma-Pheochromocytoma Syndrome (Paragangliomas 4); SDHB-Related Hereditary Paraganglioma-Pheochromocytoma Syndrome; CAROTID BODY TUMORS AND MULTIPLE EXTRAADRENAL PHEOCHROMOCYTOMAS; PARAGANGLIOMA, FAMILIAL MALIGNANT; PARAGANGLIOMAS, HEREDITARY EXTRAADRENAL; PHEOCHROMOCYTOMA, FAMILIAL EXTRAADRENAL. Identifiers: Orphanet 29072, MedGen C1861848, MONDO:0007273, OMIM 115310.
Pheochromocytoma. Also called: MAX-Related Hereditary Paraganglioma-Pheochromocytoma Syndrome. Identifiers: Orphanet 29072, MedGen C0031511, MONDO:0008233, OMIM 171300, HP:0002666.
Gastrointestinal stromal tumor. Also called: Gastrointestinal stromal tumor, somatic; Gastrointestinal stroma tumor. Identifiers: Orphanet 44890, MedGen C0238198, MeSH D046152, MONDO:0011719, OMIM 606764, HP:0100723.
Hereditary cancer-predisposing syndrome. Also called: Neoplastic Syndromes, Hereditary; Tumor predisposition; Hereditary Cancer Syndrome; Hereditary neoplastic syndrome. Identifiers: Orphanet 140162, MedGen C0027672, MeSH D009386, MONDO:0015356.

Allele frequency attached by ClinVar (database versions not stated): TOPMed below 0.00001; gnomAD 0.00001.
gnomAD v4.1: 1 of 1,613,864 alleles (0.000062%); highest among the groups gnomAD compares: African/African-American, 0.0013%; no homozygotes.

Submissions (2):

Ambry Genetics
Classification: Uncertain significance for Hereditary cancer-predisposing syndrome. Last evaluated: 2025-11-08. Review status: criteria provided, single submitter. Criteria: Ambry Variant Classification Scheme 2023. Collection method: clinical testing. Allele origin: germline.
Comment: The p.S195T variant (also known as c.584G>C), located in coding exon 6 of the SDHB gene, results from a G to C substitution at nucleotide position 584. The serine at codon 195 is replaced by threonine, an amino acid with similar properties. This amino acid position is conserved. In addition, this alteration is predicted to be deleterious by in silico analysis. Since supporting evidence is limited at this time, the clinical significance of this alteration remains unclear.

Labcorp Genetics (formerly Invitae), Labcorp
Classification: Uncertain significance for Gastrointestinal stromal tumor; Pheochromocytoma/paraganglioma syndrome 4; Pheochromocytoma. Last evaluated: 2023-05-20. Review status: criteria provided, single submitter. Criteria: Invitae Variant Classification Sherloc (09022015). Collection method: clinical testing. Allele origin: germline.
Comment: This sequence change replaces serine, which is neutral and polar, with threonine, which is neutral and polar, at codon 195 of the SDHB protein (p.Ser195Thr). In summary, the available evidence is currently insufficient to determine the role of this variant in disease. Therefore, it has been classified as a Variant of Uncertain Significance. Advanced modeling of protein sequence and biophysical properties (such as structural, functional, and spatial information, amino acid conservation, physicochemical variation, residue mobility, and thermodynamic stability) performed at Invitae indicates that this missense variant is expected to disrupt SDHB protein function. ClinVar contains an entry for this variant (Variation ID: 655187). This variant has not been reported in the literature in individuals affected with SDHB-related conditions. This variant is not present in population databases (gnomAD no frequency).